The following is an entry in ClinVar:

ClinVar aggregate classification (germline): Uncertain significance (1 of 4 stars; one submission).

Conditions:
Dilated cardiomyopathy 1KK (CMD1KK). Identifiers: Orphanet 154, Orphanet 75249, MedGen C3714995, MONDO:0014100, OMIM 615248.

Allele frequency attached by ClinVar (database versions not stated): gnomAD exomes below 0.00001 and 0.00001; ExAC 0.00001.

Submission:

Labcorp Genetics (formerly Invitae), Labcorp
Classification: Uncertain significance for Dilated cardiomyopathy 1KK. Last evaluated: 2021-02-11. Review status: criteria provided, single submitter. Criteria: Invitae Variant Classification Sherloc (09022015). Collection method: clinical testing. Allele origin: germline.
Comment: In summary, the available evidence is currently insufficient to determine the role of this variant in disease. Therefore, it has been classified as a Variant of Uncertain Significance. Algorithms developed to predict the effect of missense changes on protein structure and function (SIFT, PolyPhen-2, Align-GVGD) all suggest that this variant is likely to be tolerated, but these predictions have not been confirmed by published functional studies and their clinical significance is uncertain. This variant has not been reported in the literature in individuals with MYPN-related conditions. This variant is present in population databases (rs749334556, ExAC 0.001%). This sequence change replaces glutamic acid with lysine at codon 383 of the MYPN protein (p.Glu383Lys). The glutamic acid residue is moderately conserved and there is a small physicochemical difference between glutamic acid and lysine.

NM_032578.4(MYPN):c.1147G>A (p.Glu383Lys)

Gene: MYPN (myopalladin; plus strand). Cytogenetic location: 10q21.3.
Variant type: single nucleotide variant.
Coding change: c.1147G>A on transcript NM_032578.4 (MANE Select); coding-DNA position 1147, G replaced by A.
Protein change: p.Glu383Lys; replaces glutamic acid 383 with lysine.
Molecular consequence: missense variant. On other transcripts: non-coding transcript variant (2).
Genome position (GRCh38, 1-based): chr10:68,148,369, G>A. VCF-style: chr10-68148369-G-A. GRCh37 (hg19) VCF-style: chr10-69908126-G-A.
Other names: c.1147G>A, p.Glu383Lys (NM_001256267.2); c.265G>A, p.Glu89Lys (NM_001256268.2); short protein forms E89K, E383K.
Identifiers: ClinVar variation 1407701 (VCV001407701.6), dbSNP rs749334556, ClinGen allele CA5522460.